The following is an entry in ClinVar:

ClinVar aggregate classification (germline): Conflicting classifications of pathogenicity. Review status: criteria provided, conflicting classifications (1 of 4 stars). 3 submissions from 3 submitters: Uncertain significance (1); Likely benign (2). Last evaluated 2026-01-15.

Conditions:
PDE6B-related disorder. Also called: PDE6B-related disease; PDE6B-related condition; PDE6B-related disorders.

Allele frequency attached by ClinVar (database versions not stated): ExAC 0.00003; gnomAD exomes 0.00005 and 0.00007; gnomAD 0.00007; TOPMed 0.00007.
gnomAD v4.1: 114 of 1,612,542 alleles (0.0071%); highest among the groups gnomAD compares: Middle Eastern, 0.016%; no homozygotes.

Submissions (3):

Labcorp Genetics (formerly Invitae), Labcorp
Classification: Likely benign. Last evaluated: 2026-01-15. Review status: criteria provided, single submitter. Criteria: Invitae Variant Classification Sherloc (09022015). Collection method: clinical testing. Allele origin: germline.

PreventionGenetics, part of Exact Sciences
Classification: Likely benign for PDE6B-related condition. Last evaluated: 2025-03-22. Review status: criteria provided, single submitter. Criteria: ACMG Guidelines, 2015. Collection method: clinical testing. Allele origin: germline.
Comment: This variant is classified as likely benign based on ACMG/AMP sequence variant interpretation guidelines (Richards et al. 2015 PMID: 25741868, with internal and published modifications).

Eurofins Ntd Llc (ga)
Classification: Uncertain significance. Last evaluated: 2014-03-17. Review status: criteria provided, single submitter. Criteria: EGL Classification Definitions 2015. Collection method: clinical testing. Allele origin: germline. Observed: 1 variant allele, 1 heterozygote.

NM_000283.4(PDE6B):c.1258-10T>A

Gene: PDE6B (phosphodiesterase 6B; plus strand). Cytogenetic location: 4p16.3.
Variant type: single nucleotide variant.
Coding change: c.1258-10T>A on transcript NM_000283.4 (MANE Select); 10 bases into the intron before coding-DNA position 1258, T replaced by A.
Molecular consequence: intron variant.
Genome position (GRCh38, 1-based): chr4:657,341, T>A. VCF-style: chr4-657341-T-A. GRCh37 (hg19) VCF-style: chr4-651130-T-A.
Other names: c.1258-10T>A (NM_001145291.2, NM_000283.3); c.421-10T>A (NM_001379246.1, NM_001379247.1, NM_001145292.2 and 1 more transcripts); c.103-10T>A (NM_001350155.3).
Identifiers: ClinVar variation 167437 (VCV000167437.14), dbSNP rs727504074, ClinGen allele CA234515.